The following is an entry in ClinVar:

ClinVar aggregate classification (germline): Likely benign (1 of 4 stars; one submission).

Allele frequency attached by ClinVar (database versions not stated): ExAC 0.00070; gnomAD 0.00176.

Submission:

CeGaT Center for Human Genetics Tuebingen
Classification: Likely benign. Last evaluated: 2024-04-01. Review status: criteria provided, single submitter. Criteria: CeGaT Center For Human Genetics Tuebingen Variant Classification Criteria Version 2. Collection method: clinical testing. Allele origin: germline. Affected: yes. Observed: 1 variant allele.
Comment: MUC4: BS2

NM_018406.7(MUC4):c.9903G>C (p.Glu3301Asp)

Gene: MUC4 (mucin 4, cell surface associated). Cytogenetic location: 3q29.
Variant type: single nucleotide variant.
Coding change: c.9903G>C on transcript NM_018406.7 (MANE Select); coding-DNA position 9903, G replaced by C.
Protein change: p.Glu3301Asp; replaces glutamic acid 3301 with aspartic acid.
Molecular consequence: missense variant. On other transcripts: no sequence alteration (1), genic upstream transcript variant (2).
Genome position (GRCh38, 1-based): chr3:195,781,677, C>G on the plus strand (G>C on the coding strand, the complement: MUC4 is on the minus strand). VCF-style: chr3-195781677-C-G. GRCh37 (hg19) VCF-style: chr3-195508548-C-G.
Other names: c.14625=, p.Asp4875= (NM_001322468.1); c.83-7372G>C (NM_138297.5); c.83-3222G>C (NM_004532.6); short protein forms E3301D.
Identifiers: ClinVar variation 3234151 (VCV003234151.20), dbSNP rs765465215, ClinGen allele CA2770660.